The following is an entry in ClinVar:

NM_004991.4(MECOM):c.493T>C (p.Cys165Arg)

Gene: MECOM (MDS1 and EVI1 complex locus; minus strand). Cytogenetic location: 3q26.2.
Variant type: single nucleotide variant.
Coding change: c.493T>C on transcript NM_004991.4 (MANE Select); coding-DNA position 493, T replaced by C.
Protein change: p.Cys165Arg; replaces cysteine 165 with arginine.
Molecular consequence: missense variant. On other transcripts: 5 prime UTR variant (12).
Genome position (GRCh38, 1-based): chr3:169,143,715, A>G on the plus strand (T>C on the coding strand, the complement: MECOM is on the minus strand). VCF-style: chr3-169143715-A-G. GRCh37 (hg19) VCF-style: chr3-168861503-A-G.
Other names: c.121T>C, p.Cys41Arg (NM_001105077.4); c.-72T>C (NM_001105078.4, NM_001163999.2, NM_001164000.2 and 9 more transcripts); c.493T>C, p.Cys165Arg (NM_001366466.2, NM_001366473.2); short protein forms C41R, C165R.
Identifiers: ClinVar variation 4826711 (VCV004826711.1).

ClinVar aggregate classification (germline): Uncertain significance (1 of 4 stars; one submission).

Conditions:
Inborn genetic diseases. Identifiers: MedGen C0950123, MeSH D030342.

Submission:

Ambry Genetics
Classification: Uncertain significance for Inborn genetic diseases. Last evaluated: 2026-03-06. Review status: criteria provided, single submitter. Criteria: Ambry Variant Classification Scheme 2023. Collection method: clinical testing. Allele origin: germline.
Comment: The p.C165R variant (also known as c.493T>C), located in coding exon 3 of the MECOM gene, results from a T to C substitution at nucleotide position 493. The cysteine at codon 165 is replaced by arginine, an amino acid with highly dissimilar properties. This amino acid position is conserved. In addition, the in silico prediction for this alteration is inconclusive. Based on the available evidence, the clinical significance of this variant remains unclear.